The following is an entry in ClinVar:

NM_006363.6(SEC23B):c.2149-21TTG[4]

Gene: SEC23B (SEC23 homolog B, COPII component; plus strand). Cytogenetic location: 20p11.23.
Variant type: Microsatellite.
Coding change: c.2149-21TTG[4] on transcript NM_006363.6 (MANE Select); four copies in a row of the 3-base unit TTG starting at c.2149-21.
Molecular consequence: intron variant.
Genome position: GRCh38 VCF-style: chr20-18555086-TTTG-T. GRCh37 (hg19) VCF-style: chr20-18535730-TTTG-T.
Other names: c.2149-7_2149-5delGTT (NM_006363.4); c.2149-21TTG[4] (NM_032986.5, NM_001172745.3, NM_032985.6); c.2095-21TTG[4] (NM_001172746.3).
Identifiers: ClinVar variation 1631191 (VCV001631191.34), dbSNP rs746737770, ClinGen allele CA9778615.

ClinVar aggregate classification (germline): Benign/Likely benign. Review status: criteria provided, multiple submitters, no conflicts (2 of 4 stars). 4 submissions from 4 submitters: Benign (1); Likely benign (3). Last evaluated 2025-10-19.

Conditions:
SEC23B-related disorder. Also called: SEC23B-related disorders; SEC23B-related condition.
Congenital dyserythropoietic anemia, type II (CDAN2). Also called: DYSERYTHROPOIETIC ANEMIA, HEMPAS TYPE. Identifiers: Orphanet 98873, MedGen C1306589, MONDO:0009134, OMIM 224100.
Cowden syndrome 7 (CWS7). Identifiers: Orphanet 201, MedGen C4225179, MONDO:0014802, OMIM 616858.

Submissions (4):

Labcorp Genetics (formerly Invitae), Labcorp
Classification: Likely benign for Congenital dyserythropoietic anemia, type II; Cowden syndrome 7. Last evaluated: 2025-10-19. Review status: criteria provided, single submitter. Criteria: Invitae Variant Classification Sherloc (09022015). Collection method: clinical testing. Allele origin: germline.

PreventionGenetics, part of Exact Sciences
Classification: Benign for SEC23B-related condition. Last evaluated: 2024-12-23. Review status: criteria provided, single submitter. Criteria: ACMG Guidelines, 2015. Collection method: clinical testing. Allele origin: germline.
Comment: This variant is classified as benign based on ACMG/AMP sequence variant interpretation guidelines (Richards et al. 2015 PMID: 25741868, with internal and published modifications).

Blueprint Genetics
Classification: Likely benign. Last evaluated: 2024-11-21. Review status: criteria provided, single submitter. Criteria: ACMG Guidelines, 2015. Collection method: clinical testing. Allele origin: germline.

CeGaT Center for Human Genetics Tuebingen
Classification: Likely benign. Last evaluated: 2022-04-01. Review status: criteria provided, single submitter. Criteria: CeGaT Center For Human Genetics Tuebingen Variant Classification Criteria Version 2. Collection method: clinical testing. Allele origin: germline. Affected: yes. Observed: 1 variant allele.
Comment: SEC23B: BP4